The following is an entry in ClinVar:

NM_012082.4(ZFPM2):c.2107A>C (p.Met703Leu)

Genes: ZFPM2 (zinc finger protein, FOG family member 2; plus strand), ZFPM2-AS1 (ZFPM2 antisense RNA 1; minus strand). Cytogenetic location: 8q23.1.
Variant type: single nucleotide variant.
Coding change: c.2107A>C on transcript NM_012082.4 (MANE Select); coding-DNA position 2107, A replaced by C.
Protein change: p.Met703Leu; replaces methionine 703 with leucine.
Molecular consequence: missense variant.
Genome position (GRCh38, 1-based): chr8:105,802,189, A>C. VCF-style: chr8-105802189-A-C. GRCh37 (hg19) VCF-style: chr8-106814417-A-C.
Other names: c.1948A>C, p.Met650Leu (NM_001362836.2); c.1711A>C, p.Met571Leu (NM_001362837.2); short protein forms M703L, M650L, M571L.
Identifiers: ClinVar variation 6130 (VCV000006130.24), dbSNP rs121908603, ClinGen allele CA117963.
Genomic context (GRCh38, chr8:105,802,189, plus strand): 5'-GACCCAAATAAGACTACCTGTGAAGCTTGCAACATTACCTTCAGCCGGCACGAAACATAC[A>C]TGGTCCACAAACAGTATTACTGTGCTACACGCCACGACCCTCCACTGAAGAGGTCTGCTT-3'
Protein context (NP_036214.2, residues 693-713): NITFSRHETY[Met703Leu]VHKQYYCATR

ClinVar aggregate classification (germline): Conflicting classifications of pathogenicity. Review status: criteria provided, conflicting classifications (1 of 4 stars). 11 submissions from 10 submitters: Uncertain significance (1); Benign (2); Likely benign (1). 7 of the submissions do not count toward it. Last evaluated 2024-12-02.

Conditions:
ZFPM2-related disorder. Also called: ZFPM2-related condition.
Diaphragmatic hernia 3 (DIH3). Identifiers: Orphanet 2140, MedGen C1857781, MONDO:0012431, OMIM 610187.
46,XY sex reversal 9 (SRXY9). Also called: 46,XY SEX REVERSAL, ZFPM2-RELATED. Identifiers: Orphanet 251510, MedGen C4015129, MONDO:0014480, OMIM 616067.
Tetralogy of Fallot (TOF). Identifiers: Orphanet 3303, MedGen C0039685, MONDO:0008542, OMIM 187500, HP:0001636.
46,XY sex reversal 3. Also called: NR5A1-related 46,XY complete gonadal dysgenesis; SEX REVERSAL, XY, WITH OR WITHOUT ADRENAL FAILURE; 46,XY SEX REVERSAL, PARTIAL OR COMPLETE, NR5A1-RELATED; 46,XY GONADAL DYSGENESIS, PARTIAL OR COMPLETE, WITH OR WITHOUT ADRENAL FAILURE; DISORDER OF SEX DEVELOPMENT, 46,XY, NR5A1-RELATED. Identifiers: MedGen C3489793, MONDO:0013066, OMIM 612965.
Double outlet right ventricle (DORV). Identifiers: Orphanet 3426, MedGen C0013069, MONDO:0018089, HP:0001719.

Allele frequency attached by ClinVar (database versions not stated): gnomAD 0.00019 and 0.00023; TOPMed 0.00026; 1000 Genomes Project 30x 0.00062; 1000 Genomes Project 0.00080.
gnomAD v4.1: 282 of 1,613,866 alleles (0.017%); highest among the groups gnomAD compares: East Asian, 0.5%; 1 homozygote.

Submissions (11):

Labcorp Genetics (formerly Invitae), Labcorp
Classification: Benign for 46,XY sex reversal 9. Last evaluated: 2024-12-02. Review status: criteria provided, single submitter. Criteria: Invitae Variant Classification Sherloc (09022015). Collection method: clinical testing. Allele origin: germline.

Women's Health and Genetics/Laboratory Corporation of America, LabCorp
Classification: Likely benign. Last evaluated: 2023-08-19. Review status: criteria provided, single submitter. Criteria: LabCorp Variant Classification Summary - May 2015. Collection method: clinical testing. Allele origin: germline.

Department of Pathology and Laboratory Medicine, Sinai Health System
Classification: Uncertain significance for Tetralogy of Fallot; Diaphragmatic hernia 3; 46,XY sex reversal 9. Last evaluated: 2022-09-06. Review status: criteria provided, single submitter. Criteria: ACMG Guidelines, 2015. Collection method: research. Allele origin: germline.

Breakthrough Genomics
Classification: Benign. Review status: criteria provided, single submitter. Criteria: ACMG Guidelines, 2015. Collection method: not provided. Allele origin: germline. Inheritance: Autosomal dominant inheritance. Affected: yes.

PreventionGenetics, part of Exact Sciences
Classification: Likely benign for ZFPM2-related condition. Last evaluated: 2021-03-20. Review status: no assertion criteria provided. Collection method: clinical testing. Allele origin: germline. Not counted in ClinVar's aggregate classification.
Comment: This variant is classified as likely benign based on ACMG/AMP sequence variant interpretation guidelines (Richards et al. 2015 PMID: 25741868, with internal and published modifications).

Reproductive Health Research and Development, BGI Genomics
Classification: Uncertain significance for Diaphragmatic hernia 3. Last evaluated: 2020-01-06. Review status: no assertion criteria provided. Collection method: curation. Allele origin: germline. Not counted in ClinVar's aggregate classification.
Comment: ZFPM2 is also known as FOG2. NM_012082.3:c.2107A>C in the ZFPM2 gene has an allele frequency of 0.007 in East Asian subpopulation in the gnomAD database. Pathogenic computational verdict because pathogenic predictions from DANN, EIGEN, FATHMM-MKL, MutationTaster and PrimateAI. We interpret it as variant of uncertain significance (VUS). This variant was reported in a patient with a left-sided Congenital diaphragmatic hernia (PMID: 17568391). Tan et al reported that a patient with double outlet right ventricle harbors c.2107A>C and proven to be de novo (PMID: 21919901). Taken together, we interprete this variant as variant of uncertain significance (VUS). ACMG/AMP criteria applied: PM6; PP3.

Reproductive Development, Murdoch Childrens Research Institute
Classification: Benign for 46,XY disorder of sex development. Last evaluated: 2019-08-26. Review status: no assertion criteria provided. Collection method: research. Allele origin: germline. Affected: yes. Not counted in ClinVar's aggregate classification.

OMIM
Classification: Pathogenic for DIAPHRAGMATIC HERNIA 3. Last evaluated: 2012-11-01. Review status: no assertion criteria provided. Collection method: literature only. Allele origin: germline. Not counted in ClinVar's aggregate classification.

OMIM
Classification: Pathogenic for DOUBLE-OUTLET RIGHT VENTRICLE. Last evaluated: 2012-11-01. Review status: no assertion criteria provided. Collection method: literature only. Allele origin: germline. Not counted in ClinVar's aggregate classification.

Clinical Genetics DNA and cytogenetics Diagnostics Lab, Erasmus MC, Erasmus Medical Center
Classification: Uncertain significance. Review status: no assertion criteria provided. Collection method: clinical testing. Allele origin: germline. Affected: yes. Study: VKGL Data-share Consensus. Not counted in ClinVar's aggregate classification.

Diagnostic Laboratory, Department of Genetics, University Medical Center Groningen
Classification: Uncertain significance. Review status: no assertion criteria provided. Collection method: clinical testing. Allele origin: germline. Affected: yes. Study: VKGL Data-share Consensus. Not counted in ClinVar's aggregate classification.

Literature cited by the submitters: PubMed 17568391 (cited by OMIM); PubMed 21919901 (cited by OMIM).